The following is an entry in ClinVar:

NM_005068.3(SIM1):c.2172C>T (p.Ser724=)

Gene: SIM1 (SIM bHLH transcription factor 1; minus strand). Cytogenetic location: 6q16.3.
Variant type: single nucleotide variant.
Coding change: c.2172C>T on transcript NM_005068.3 (MANE Select); coding-DNA position 2172, C replaced by T.
Protein change: p.Ser724=; no amino-acid change (serine 724 retained).
Molecular consequence: synonymous variant.
Genome position (GRCh38, 1-based): chr6:100,390,490, G>A on the plus strand (C>T on the coding strand, the complement: SIM1 is on the minus strand). VCF-style: chr6-100390490-G-A. GRCh37 (hg19) VCF-style: chr6-100838366-G-A.
Other names: c.2172C>T, p.Ser724= (NM_001374769.1).
Identifiers: ClinVar variation 3036784 (VCV003036784.2), dbSNP rs766824051, ClinGen allele CA3936859.

ClinVar aggregate classification (germline): Likely benign (0 of 4 stars; one submission).

Conditions:
SIM1-related disorder. Also called: SIM1-related condition; SIM1-related disorders.

Allele frequency attached by ClinVar (database versions not stated): TOPMed 0.00002; gnomAD 0.00003; ExAC 0.00008.
gnomAD v4.1: 73 of 1,613,980 alleles (0.0045%); highest among the groups gnomAD compares: South Asian, 0.066%; 1 homozygote.

Submission:

PreventionGenetics, part of Exact Sciences
Classification: Likely benign for SIM1-related condition. Last evaluated: 2020-06-30. Review status: no assertion criteria provided. Collection method: clinical testing. Allele origin: germline.
Comment: This variant is classified as likely benign based on ACMG/AMP sequence variant interpretation guidelines (Richards et al. 2015 PMID: 25741868, with internal and published modifications).